The following is an entry in ClinVar:

NM_001170700.3(DTHD1):c.1049A>C (p.Glu350Ala)

Gene: DTHD1 (death domain containing 1; plus strand). Cytogenetic location: 4p14.
Variant type: single nucleotide variant.
Coding change: c.1049A>C on transcript NM_001170700.3 (MANE Select); coding-DNA position 1049, A replaced by C.
Protein change: p.Glu350Ala; replaces glutamic acid 350 with alanine.
Molecular consequence: missense variant. On other transcripts: non-coding transcript variant (2).
Genome position (GRCh38, 1-based): chr4:36,290,534, A>C. VCF-style: chr4-36290534-A-C. GRCh37 (hg19) VCF-style: chr4-36292156-A-C.
Other names: c.179A>C, p.Glu60Ala (NM_001136536.5, NM_001378435.1); short protein forms E350A, E60A.
Identifiers: ClinVar variation 2272002 (VCV002272002.6), dbSNP rs1191668665, ClinGen allele CA356678922.

ClinVar aggregate classification (germline): Uncertain significance. Review status: criteria provided, multiple submitters, no conflicts (2 of 4 stars). 3 submissions from 3 submitters: Uncertain significance (3). Last evaluated 2022-11-26.

Allele frequency attached by ClinVar (database versions not stated): gnomAD 0.00001; gnomAD exomes 0.00002.
gnomAD v4.1: 33 of 1,551,556 alleles (0.0021%); highest among the groups gnomAD compares: Non-Finnish European, 0.0024%; no homozygotes.

Submissions (3):

Labcorp Genetics (formerly Invitae), Labcorp
Classification: Uncertain significance. Last evaluated: 2022-11-26. Review status: criteria provided, single submitter. Criteria: Invitae Variant Classification Sherloc (09022015). Collection method: clinical testing. Allele origin: germline.
Comment: In summary, the available evidence is currently insufficient to determine the role of this variant in disease. Therefore, it has been classified as a Variant of Uncertain Significance. Algorithms developed to predict the effect of missense changes on protein structure and function (SIFT, PolyPhen-2, Align-GVGD) all suggest that this variant is likely to be tolerated. This variant has not been reported in the literature in individuals affected with DTHD1-related conditions. This variant is present in population databases (no rsID available, gnomAD 0.01%). This sequence change replaces glutamic acid, which is acidic and polar, with alanine, which is neutral and non-polar, at codon 60 of the DTHD1 protein (p.Glu60Ala).

Ambry Genetics
Classification: Uncertain significance. Last evaluated: 2022-01-18. Review status: criteria provided, single submitter. Criteria: Ambry Variant Classification Scheme 2023. Collection method: clinical testing. Allele origin: germline.

Blueprint Genetics
Classification: Uncertain significance. Last evaluated: 2021-03-04. Review status: criteria provided, single submitter. Criteria: ACMG Guidelines, 2015. Collection method: clinical testing. Allele origin: germline.